The following is an entry in ClinVar:

ClinVar aggregate classification (germline): Uncertain significance. Review status: criteria provided, multiple submitters, no conflicts (2 of 4 stars). 3 submissions from 3 submitters: Uncertain significance (3). Last evaluated 2025-09-25.

Conditions:
Cardiovascular phenotype. Identifiers: MedGen CN230736.
Dilated cardiomyopathy 1JJ (CMD1JJ). Identifiers: Orphanet 154, MedGen C3808935, MONDO:0014095, OMIM 615235.

Allele frequency attached by ClinVar (database versions not stated): 1000 Genomes Project 30x 0.00016.
gnomAD v4.1: 13 of 1,611,114 alleles (0.00081%); highest among the groups gnomAD compares: African/African-American, 0.013%; no homozygotes.

Submissions (3):

Ambry Genetics
Classification: Uncertain significance for Cardiovascular phenotype. Last evaluated: 2025-09-25. Review status: criteria provided, single submitter. Criteria: Ambry Variant Classification Scheme 2023. Collection method: clinical testing. Allele origin: germline.
Comment: The p.R1096S variant (also known as c.3286C>A), located in coding exon 24 of the LAMA4 gene, results from a C to A substitution at nucleotide position 3286. The arginine at codon 1096 is replaced by serine, an amino acid with dissimilar properties. This amino acid position is not well conserved in available vertebrate species. In addition, the in silico prediction for this alteration is inconclusive. The evidence for this gene-disease relationship is limited; therefore, the clinical significance of this alteration is unclear.

Women's Health and Genetics/Laboratory Corporation of America, LabCorp
Classification: Uncertain significance. Last evaluated: 2024-10-06. Review status: criteria provided, single submitter. Criteria: LabCorp Variant Classification Summary - May 2015. Collection method: clinical testing. Allele origin: germline.

Labcorp Genetics (formerly Invitae), Labcorp
Classification: Uncertain significance for Dilated cardiomyopathy 1JJ. Last evaluated: 2022-12-16. Review status: criteria provided, single submitter. Criteria: Invitae Variant Classification Sherloc (09022015). Collection method: clinical testing. Allele origin: germline.
Comment: This sequence change replaces arginine, which is basic and polar, with serine, which is neutral and polar, at codon 1096 of the LAMA4 protein (p.Arg1096Ser). This variant is present in population databases (rs113109272, gnomAD 0.03%). This variant has not been reported in the literature in individuals affected with LAMA4-related conditions. ClinVar contains an entry for this variant (Variation ID: 1494851). Algorithms developed to predict the effect of missense changes on protein structure and function are either unavailable or do not agree on the potential impact of this missense change (SIFT: "Deleterious"; PolyPhen-2: "Benign"; Align-GVGD: "Class C15"). In summary, the available evidence is currently insufficient to determine the role of this variant in disease. Therefore, it has been classified as a Variant of Uncertain Significance.

NM_001105206.3(LAMA4):c.3307C>A (p.Arg1103Ser)

Gene: LAMA4 (laminin subunit alpha 4; minus strand). Cytogenetic location: 6q21.
Variant type: single nucleotide variant.
Coding change: c.3307C>A on transcript NM_001105206.3 (MANE Select); coding-DNA position 3307, C replaced by A.
Protein change: p.Arg1103Ser; replaces arginine 1103 with serine.
Molecular consequence: missense variant.
Genome position (GRCh38, 1-based): chr6:112,136,230, G>T on the plus strand (C>A on the coding strand, the complement: LAMA4 is on the minus strand). VCF-style: chr6-112136230-G-T. GRCh37 (hg19) VCF-style: chr6-112457432-G-T.
Other names: c.3286C>A, p.Arg1096Ser (NM_001105207.3, NM_002290.5); short protein forms R1096S, R1103S.
Identifiers: ClinVar variation 1494851 (VCV001494851.12), dbSNP rs113109272, ClinGen allele CA3965248.
Genomic context (GRCh38, chr6:112,136,230, plus strand): 5'-CAAGATGCACAGGGCCACCGCTGAATCCAAAATCATAGAACACATGTAGGTAACCATTGC[G>T]CATTTCCAGTCTGAAAAACATACTCTGAGGAGAGAAAGGAATTGTAAGATAGGAACATCT-3'
Protein context (NP_001098676.2, residues 1093-1113): NGSMFFRLEM[Arg1103Ser]NGYLHVFYDF